The following is an entry in ClinVar:

NM_152647.3(FAM227B):c.1013-53113C>T

Genes: FAM227B (family with sequence similarity 227 member B; minus strand), FGF7 (fibroblast growth factor 7; plus strand). Cytogenetic location: 15q21.2.
Variant type: single nucleotide variant.
Coding change: c.1013-53113C>T on transcript NM_152647.3 (MANE Select); 53113 bases into the intron before coding-DNA position 1013, C replaced by T.
Molecular consequence: intron variant. On other transcripts: missense variant (1).
Genome position (GRCh38, 1-based): chr15:49,424,512, G>A on the plus strand (C>T on the coding strand, the complement: FAM227B is on the minus strand). VCF-style: chr15-49424512-G-A. GRCh37 (hg19) VCF-style: chr15-49716709-G-A.
Other names: NM_152647.3:c.1013-53113C>T; c.215G>A, p.Arg72Gln (NM_002009.4); c.911-1798C>T (NM_001330293.2); short protein forms R72Q.
Identifiers: ClinVar variation 4070931 (VCV004070931.1).

ClinVar aggregate classification (germline): Uncertain significance (1 of 4 stars; one submission).

Conditions:
Autoinflammatory syndrome. Identifiers: Orphanet 93665, MedGen C3890737, MONDO:0019751.

gnomAD v4.1: 6 of 1,613,030 alleles (0.00037%); highest among the groups gnomAD compares: Non-Finnish European, 0.00042%; no homozygotes.

Submission:

Broad Center for Mendelian Genomics, Broad Institute of MIT and Harvard
Classification: Uncertain significance for Autoinflammatory syndrome. Last evaluated: 2025-07-18. Review status: criteria provided, single submitter. Criteria: ACMG Guidelines, 2015. Collection method: curation. Allele origin: germline. Inheritance: Autosomal dominant inheritance. Study: GREGoR Consortium.
Comment: While this gene is still lacking sufficient evidence to establish a gene-disease relationship, we believe this is a possible novel gene candidate for autoinflammatory syndrome. Given the limited information about this gene-disease relationship, the significance of the p.Arg72Gln variant is uncertain. If you have any additional information about functional evidence or other individuals with this phenotype that also have variants in FGF7 we encourage you to reach out to us.